The following is an entry in ClinVar:

NM_001164760.2(PRKAR1B):c.703C>A (p.Leu235Ile)

Gene: PRKAR1B (protein kinase cAMP-dependent type I regulatory subunit beta; minus strand). Cytogenetic location: 7p22.3.
Variant type: single nucleotide variant.
Coding change: c.703C>A on transcript NM_001164760.2 (MANE Select); coding-DNA position 703, C replaced by A.
Protein change: p.Leu235Ile; replaces leucine 235 with isoleucine.
Molecular consequence: missense variant.
Genome position (GRCh38, 1-based): chr7:596,151, G>T on the plus strand (C>A on the coding strand, the complement: PRKAR1B is on the minus strand). VCF-style: chr7-596151-G-T. GRCh37 (hg19) VCF-style: chr7-635788-G-T.
Other names: c.703C>A, p.Leu235Ile (NM_001164758.2, NM_001164759.1, NM_001164761.2 and 2 more transcripts); short protein forms L235I.
Identifiers: ClinVar variation 3383878 (VCV003383878.1).

ClinVar aggregate classification (germline): Uncertain significance (1 of 4 stars; one submission).

Submission:

GeneDx
Classification: Uncertain significance. Last evaluated: 2024-05-30. Review status: criteria provided, single submitter. Criteria: GeneDx Variant Classification Process June 2021. Collection method: clinical testing. Allele origin: germline. Affected: yes.
Comment: Not observed at significant frequency in large population cohorts (gnomAD); In silico analysis indicates that this missense variant does not alter protein structure/function; Has not been previously published as pathogenic or benign to our knowledge